The following is an entry in ClinVar:

ClinVar aggregate classification (germline): Uncertain significance (1 of 4 stars; one submission).

Submission:

GeneDx
Classification: Uncertain significance. Last evaluated: 2017-03-17. Review status: criteria provided, single submitter. Criteria: GeneDx Variant Classification (06012015). Collection method: clinical testing. Allele origin: germline. Affected: yes.
Comment: The F1303S variant in the SCN10A gene has not been reported previously as a pathogenic variant, nor as a benign variant, to our knowledge. The F1303S variant is not observed in large population cohorts (Lek et al., 2016; 1000 Genomes Consortium et al., 2015; Exome Variant Server). The F1303S variant is a non-conservative amino acid substitution, which is likely to impact secondary protein structure as these residues differ in polarity, charge, size and/or other properties. This substitution occurs at a position that is conserved across species, and in silico analysis predicts this variant is probably damaging to the protein structure/function. We interpret F1303S as a variant of uncertain significance.

NM_006514.4(SCN10A):c.3908T>C (p.Phe1303Ser)

Gene: SCN10A (sodium voltage-gated channel alpha subunit 10; minus strand). Cytogenetic location: 3p22.2.
Variant type: single nucleotide variant.
Coding change: c.3908T>C on transcript NM_006514.4 (MANE Select); coding-DNA position 3908, T replaced by C.
Protein change: p.Phe1303Ser; replaces phenylalanine 1303 with serine.
Molecular consequence: missense variant.
Genome position (GRCh38, 1-based): chr3:38,712,342, A>G on the plus strand (T>C on the coding strand, the complement: SCN10A is on the minus strand). VCF-style: chr3-38712342-A-G. GRCh37 (hg19) VCF-style: chr3-38753833-A-G.
Other names: c.3905T>C, p.Phe1302Ser (NM_001293306.2); c.3614T>C, p.Phe1205Ser (NM_001293307.2); short protein forms F1303S, F1302S, F1205S.
Identifiers: ClinVar variation 424186 (VCV000424186.2), dbSNP rs1064796846, ClinGen allele CA16617956.
Genomic context (GRCh38, chr3:38,712,342, plus strand): 5'-AAAGGTACAAGGGAAAACTCTCCATCGGTATAGTTGATGCACCTCCAAAACTTCCCTGCG[A>G]AGAGGTTCACACCCATGATGCTGAAGATGAGCCAGAAGATGAGGCAGACGAGGAGGACAT-3'
Protein context (NP_006505.4, residues 1293-1313): LIFSIMGVNL[Phe1303Ser]AGKFWRCINY